The following is an entry in ClinVar:

NM_000038.6(APC):c.531+1_531+2del

Gene: APC (APC regulator of Wnt signaling pathway; plus strand). Cytogenetic location: 5q22.2.
Variant type: Deletion.
Coding change: c.531+1_531+2del on transcript NM_000038.6 (MANE Select); the canonical splice donor site of the intron after coding-DNA position 531, 2 bases deleted (GT; older notation c.531+1_531+2delGT).
Molecular consequence: splice donor variant.
Genome position (GRCh38, 1-based): chr5:112,775,738-112,775,739, GT deleted; deleting any 2 consecutive bases within chr5:112,775,737-112,775,739 gives the same sequence; the c. name uses the placement nearest the transcript's 3' end. VCF-style (leftmost placement, unchanged base first): chr5-112775736-ATG-A. GRCh37 (hg19) VCF-style: chr5-112111433-ATG-A.
Other names: c.-505+1_-505+2del (NM_001407470.1, NM_001407472.1, NM_001354906.2 and 1 more transcripts); c.531+1_531+2del (NM_001407447.1, NM_001354895.2, NM_001407456.1 and 16 more transcripts); c.561+1_561+2del (NM_001407446.1, NM_001354897.2, NM_001354902.2 and 1 more transcripts); c.354+1_354+2del (NM_001407453.1, NM_001354900.2, NM_001354901.2 and 1 more transcripts); c.456+1_456+2del (NM_001407451.1, NM_001354898.2, NM_001354904.2).
Identifiers: ClinVar variation 2583729 (VCV002583729.1), dbSNP rs2532417643, ClinGen allele CA2582341392.
Genomic context (GRCh38, chr5:112,775,736, plus strand): 5'-GGTATTACGCTCAACTTCAGAATCTCACTAAAAGAATAGATAGTCTTCCTTTAACTGAAA[ATG>A]TAAGTAACTTGGCAGTACAACTTATTTGAAACTTTAATAACTTGATATTTTAAAGTACCT-3'

ClinVar aggregate classification (germline): Likely pathogenic (1 of 4 stars; one submission).

Conditions:
Familial adenomatous polyposis 1 (FAP1). Also called: POLYPOSIS, ADENOMATOUS INTESTINAL; FAMILIAL ADENOMATOUS POLYPOSIS 1, ATTENUATED. Identifiers: MedGen C2713442, MONDO:0021056, OMIM 175100. Disease mechanism: loss of function.

Submission:

Myriad Genetics, Inc.
Classification: Likely pathogenic for Familial adenomatous polyposis 1. Last evaluated: 2023-04-26. Review status: criteria provided, single submitter. Criteria: Myriad Autosomal Dominant, Autosomal Recessive and X-Linked Classification Criteria (2023). Collection method: clinical testing. Allele origin: unknown.
Comment: This variant is considered likely pathogenic. This variant occurs within a consensus splice junction and is predicted to result in abnormal mRNA splicing of either an out-of-frame exon or an in-frame exon necessary for protein stability and/or normal function.